The following is an entry in ClinVar:

ClinVar aggregate classification (germline): Conflicting classifications of pathogenicity. Review status: criteria provided, conflicting classifications (1 of 4 stars). 3 submissions from 3 submitters: Uncertain significance (1); Likely benign (2). Last evaluated 2025-10-22.

Conditions:
Congenital isolated adrenocorticotropic hormone deficiency. Also called: ACTH deficiency; Adrenocorticotropic hormone deficiency; ACTH DEFICIENCY, ISOLATED. Identifiers: Orphanet 199296, MedGen C0342388, MONDO:0008720, OMIM 201400, HP:0011748.

Allele frequency attached by ClinVar (database versions not stated): gnomAD exomes 0.00019.

Submissions (3):

Labcorp Genetics (formerly Invitae), Labcorp
Classification: Likely benign. Last evaluated: 2025-10-22. Review status: criteria provided, single submitter. Criteria: Invitae Variant Classification Sherloc (09022015). Collection method: clinical testing. Allele origin: germline.

CeGaT Center for Human Genetics Tuebingen
Classification: Likely benign. Last evaluated: 2023-02-01. Review status: criteria provided, single submitter. Criteria: CeGaT Center For Human Genetics Tuebingen Variant Classification Criteria Version 2. Collection method: clinical testing. Allele origin: germline. Affected: yes. Observed: 2 variant alleles.
Comment: TBX19: BS2

Illumina Laboratory Services, Illumina
Classification: Uncertain significance for Congenital isolated adrenocorticotropic hormone deficiency. Last evaluated: 2018-01-13. Review status: criteria provided, single submitter. Criteria: ICSL Variant Classification Criteria 13 December 2019. Collection method: clinical testing. Allele origin: germline.

NM_005149.3(TBX19):c.603+15G>T

Gene: TBX19 (T-box transcription factor 19; plus strand). Cytogenetic location: 1q24.2.
Variant type: single nucleotide variant.
Coding change: c.603+15G>T on transcript NM_005149.3 (MANE Select); 15 bases into the intron after coding-DNA position 603, G replaced by T.
Molecular consequence: intron variant.
Genome position (GRCh38, 1-based): chr1:168,293,293, G>T. VCF-style: chr1-168293293-G-T. GRCh37 (hg19) VCF-style: chr1-168262531-G-T.
Identifiers: ClinVar variation 293474 (VCV000293474.36), dbSNP rs886045513, ClinGen allele CA10608217.
Genomic context (GRCh38, chr1:168,293,293, plus strand): 5'-CCCTGAAACCCAGTTCATAGCCGTGACTGCCTATCAGAATGAGGAGGTAAGAGTGTGTGT[G>T]TGTGTGTGTGTGTGTGTGTGTGTGTGTGTGTGTAACTGTCACCTGGGAGATCATGGCAGG-3'